The following is an entry in ClinVar:

ClinVar aggregate classification (germline): Conflicting classifications of pathogenicity. Review status: criteria provided, conflicting classifications (1 of 4 stars). 4 submissions from 4 submitters: Uncertain significance (3); Likely benign (1). Last evaluated 2025-11-05.

Conditions:
Hereditary cancer-predisposing syndrome. Also called: Hereditary Cancer Syndrome; Hereditary neoplastic syndrome; Neoplastic Syndromes, Hereditary; Tumor predisposition. Identifiers: Orphanet 140162, MedGen C0027672, MeSH D009386, MONDO:0015356.
Colorectal cancer, susceptibility to, 12 (CRCS12). Also called: COLORECTAL CANCER, SUSCEPTIBILITY TO, ON CHROMOSOME 12q24. Identifiers: Orphanet 220460, MedGen C3554460, MONDO:0014038, OMIM 615083.

Allele frequency attached by ClinVar (database versions not stated): TOPMed 0.00001.
gnomAD v4.1: 13 of 1,614,094 alleles (0.00081%); highest among the groups gnomAD compares: East Asian, 0.011%; no homozygotes.

Submissions (4):

Labcorp Genetics (formerly Invitae), Labcorp
Classification: Uncertain significance. Last evaluated: 2025-11-05. Review status: criteria provided, single submitter. Criteria: Invitae Variant Classification Sherloc (09022015). Collection method: clinical testing. Allele origin: germline.
Comment: This sequence change replaces threonine, which is neutral and polar, with methionine, which is neutral and non-polar, at codon 1246 of the POLE protein (p.Thr1246Met). This variant is present in population databases (rs750902578, gnomAD 0.02%). This variant has not been reported in the literature in individuals affected with POLE-related conditions. ClinVar contains an entry for this variant (Variation ID: 405859). Invitae Evidence Modeling of protein sequence and biophysical properties (such as structural, functional, and spatial information, amino acid conservation, physicochemical variation, residue mobility, and thermodynamic stability) indicates that this missense variant is not expected to disrupt POLE protein function with a negative predictive value of 80%. In summary, the available evidence is currently insufficient to determine the role of this variant in disease. Therefore, it has been classified as a Variant of Uncertain Significance.

St. Jude Molecular Pathology, St. Jude Children's Research Hospital
Classification: Uncertain significance for Colorectal cancer, susceptibility to, 12. Last evaluated: 2025-06-17. Review status: criteria provided, single submitter. Criteria: St. Jude Assertion Criteria 2020. Collection method: clinical testing. Allele origin: germline.
Comment: The POLE c.3737C>T p.(Thr1246Met) missense change has a maximum subpopulation frequency of 0.02% in gnomAD v2.1.1. The in silico tool REVEL predicts a benign effect on protein function, but to our knowledge this prediction has not been confirmed by functional studies. To our knowledge, this variant has not been reported in the literature in individuals with POLE-related disease. In summary, the evidence currently available is insufficient to determine the clinical significance of this variant. It has therefore been classified as of uncertain significance.

Ambry Genetics
Classification: Likely benign for Hereditary cancer-predisposing syndrome. Last evaluated: 2024-03-28. Review status: criteria provided, single submitter. Criteria: Ambry Variant Classification Scheme 2023. Collection method: clinical testing. Allele origin: germline.

GeneDx
Classification: Uncertain significance. Last evaluated: 2023-07-11. Review status: criteria provided, single submitter. Criteria: GeneDx Variant Classification Process June 2021. Collection method: clinical testing. Allele origin: germline. Affected: yes.
Comment: Not observed at significant frequency in large population cohorts (gnomAD); In silico analysis, which includes protein predictors and evolutionary conservation, supports that this variant does not alter protein structure/function; Has not been previously published as pathogenic or benign to our knowledge

NM_006231.4(POLE):c.3737C>T (p.Thr1246Met)

Gene: POLE (DNA polymerase epsilon, catalytic subunit; minus strand). Cytogenetic location: 12q24.33.
Variant type: single nucleotide variant.
Coding change: c.3737C>T on transcript NM_006231.4 (MANE Select); coding-DNA position 3737, C replaced by T.
Protein change: p.Thr1246Met; replaces threonine 1246 with methionine.
Molecular consequence: missense variant.
Genome position (GRCh38, 1-based): chr12:132,649,735, G>A on the plus strand (C>T on the coding strand, the complement: POLE is on the minus strand). VCF-style: chr12-132649735-G-A. GRCh37 (hg19) VCF-style: chr12-133226321-G-A.
Other names: c.3737C>T (NM_006231.2); short protein forms T1246M.
Identifiers: ClinVar variation 405859 (VCV000405859.13), dbSNP rs750902578, ClinGen allele CA6893128.